The following is an entry in ClinVar:

NM_003285.3(TNR):c.1471G>A (p.Ala491Thr)

Gene: TNR (tenascin R; minus strand). Cytogenetic location: 1q25.1.
Variant type: single nucleotide variant.
Coding change: c.1471G>A on transcript NM_003285.3 (MANE Select); coding-DNA position 1471, G replaced by A.
Protein change: p.Ala491Thr; replaces alanine 491 with threonine.
Molecular consequence: missense variant.
Genome position (GRCh38, 1-based): chr1:175,391,324, C>T on the plus strand (G>A on the coding strand, the complement: TNR is on the minus strand). VCF-style: chr1-175391324-C-T. GRCh37 (hg19) VCF-style: chr1-175360460-C-T.
Other names: c.472G>A, p.Ala158Thr (NM_001328635.2); short protein forms A158T, A491T.
Identifiers: ClinVar variation 3327669 (VCV003327669.2).
Genomic context (GRCh38, chr1:175,391,324, plus strand): 5'-GGGAGAAGGGTTGGAGGCACTCACCTGTGGAGACGCTGGCCGAGGTAGGGGGGCTGCGGG[C>T]CTGTTCTTTCAGAGCCACCACATTGACAATGTATTCCTCCCCAGGCTTTAGTCCTGTCTG-3'
Protein context (NP_003276.3, residues 481-501): IVNVVALKEQ[Ala491Thr]RSPPTSASVS

ClinVar aggregate classification (germline): Uncertain significance. Review status: criteria provided, multiple submitters, no conflicts (2 of 4 stars). 2 submissions from 2 submitters: Uncertain significance (2). Last evaluated 2026-03-25.

Conditions:
Inborn genetic diseases. Identifiers: MedGen C0950123, MeSH D030342.

gnomAD v4.1: 12 of 1,614,002 alleles (0.00074%); highest among the groups gnomAD compares: East Asian, 0.013%; no homozygotes.

Submissions (2):

Women's Health and Genetics/Laboratory Corporation of America, LabCorp
Classification: Uncertain significance. Last evaluated: 2026-03-25. Review status: criteria provided, single submitter. Criteria: LabCorp Variant Classification Summary - May 2015. Collection method: clinical testing. Allele origin: germline.
Comment: Variant summary: TNR c.1471G>A (p.Ala491Thr) results in a non-conservative amino acid change in the encoded protein sequence. Algorithms developed to predict the effect of missense changes on protein structure and function are either unavailable or do not agree on the potential impact of this missense change. The variant allele was found at a frequency of 1.6e-05 in 251418 control chromosomes. The available data on variant occurrences in the general population are insufficient to allow any conclusion about variant significance. To our knowledge, no occurrence of c.1471G>A in individuals affected with TNR-related conditions and no experimental evidence demonstrating its impact on protein function have been reported. ClinVar contains an entry for this variant (Variation ID: 3327669). Based on the evidence outlined above, the variant was classified as uncertain significance.

Ambry Genetics
Classification: Uncertain significance for Inborn genetic diseases. Last evaluated: 2024-05-02. Review status: criteria provided, single submitter. Criteria: Ambry Variant Classification Scheme 2023. Collection method: clinical testing. Allele origin: germline.